The following is an entry in ClinVar:

ClinVar aggregate classification (germline): Pathogenic (1 of 4 stars; one submission).

Conditions:
Hereditary factor VIII deficiency disease (HEMA). Also called: HEMOPHILIA, CLASSIC; Hemophilia A, congenital; HEM A; Factor 8 deficiency, congenital; AUTOSOMAL HEMOPHILIA A; Hemophilia A. Identifiers: Orphanet 98878, MedGen C0019069, MONDO:0010602, OMIM 306700.

Submission:

Human Genetic Diversity Lab, University of the Republic of Uruguay
Classification: Pathogenic for Hereditary factor VIII deficiency disease. Last evaluated: 2026-02-02. Review status: criteria provided, single submitter. Criteria: ACMG Guidelines, 2015. Collection method: research. Allele origin: maternal. Inheritance: X-linked inheritance. Affected: yes. Observed: 1 hemizygote.
Comment: The Val1228Serfs*12 variant in F8 has not been reported in databases and is absent from large population studies (gnomAD). The variant is a frameshift that introduces a stop codon in exon 14 of the coagulation factor VIII gene; In summary, the variant meets our criteria for classification as pathogenic based on segregation studies, absence from controls, and functional effects.

Literature cited by the submitters: DOI 10.1056/NEJMsr1406261.

NM_000132.4(F8):c.3682_3683del (p.Val1228fs)

Gene: F8 (coagulation factor VIII; minus strand). Cytogenetic location: Xq28.
Variant type: Deletion.
Coding change: c.3682_3683del on transcript NM_000132.4 (MANE Select); coding-DNA positions 3682 to 3683, 2 bases deleted (GT; older notation c.3682_3683delGT).
Protein change: p.Val1228fs; shifts the reading frame from valine 1228.
Molecular consequence: frameshift variant.
Genome position (GRCh38, 1-based): chrX:154,930,107-154,930,108, AC deleted on the plus strand (GT on the coding strand, the reverse complement: F8 is on the minus strand); deleting any 2 consecutive bases within chrX:154,930,107-154,930,109 gives the same sequence; the c. name uses the placement nearest the transcript's 3' end. VCF-style (leftmost placement, unchanged base first): chrX-154930106-TAC-T. GRCh37 (hg19) VCF-style: chrX-154158381-TAC-T.
Other names: c.3681_3682delTG (NM_000132.4); short protein forms V1228fs.
Identifiers: ClinVar variation 4756109 (VCV004756109.1).